The following is an entry in ClinVar:

ClinVar aggregate classification (germline): Benign/Likely benign. Review status: criteria provided, multiple submitters, no conflicts (2 of 4 stars). 2 submissions from 2 submitters: Benign (1); Likely benign (1). Last evaluated 2024-09-01.

Allele frequency attached by ClinVar (database versions not stated): gnomAD exomes 0.00004 and 0.00017; gnomAD 0.00006 and 0.00009; ExAC 0.00013; 1000 Genomes Project 30x 0.00016; TOPMed 0.00016; 1000 Genomes Project 0.00020.

Submissions (2):

CeGaT Center for Human Genetics Tuebingen
Classification: Likely benign. Last evaluated: 2024-09-01. Review status: criteria provided, single submitter. Criteria: CeGaT Center For Human Genetics Tuebingen Variant Classification Criteria Version 2. Collection method: clinical testing. Allele origin: germline. Affected: yes. Observed: 3 variant alleles.
Comment: POLR2A: BP4, BP7, BS1

Labcorp Genetics (formerly Invitae), Labcorp
Classification: Benign. Last evaluated: 2018-07-06. Review status: criteria provided, single submitter. Criteria: Invitae Variant Classification Sherloc (09022015). Collection method: clinical testing. Allele origin: germline.

NM_000937.5(POLR2A):c.4062C>T (p.Pro1354=)

Genes: POLR2A (RNA polymerase II subunit A; plus strand), LOC126862482 (CDK7 strongly-dependent group 2 enhancer GRCh37_chr17:7414586-7415785; plus strand). Cytogenetic location: 17p13.1.
Variant type: single nucleotide variant.
Coding change: c.4062C>T on transcript NM_000937.5 (MANE Select); coding-DNA position 4062, C replaced by T.
Protein change: p.Pro1354=; no amino-acid change (proline 1354 retained).
Molecular consequence: synonymous variant.
Genome position (GRCh38, 1-based): chr17:7,511,549, C>T. VCF-style: chr17-7511549-C-T. GRCh37 (hg19) VCF-style: chr17-7414868-C-T.
Identifiers: ClinVar variation 732058 (VCV000732058.25), dbSNP rs56289614, ClinGen allele CA8350170.